The following is an entry in ClinVar:

NM_000188.3(HK1):c.1456del (p.Glu486fs)

Gene: HK1 (hexokinase 1; plus strand). Cytogenetic location: 10q22.1.
Variant type: Deletion.
Coding change: c.1456del on transcript NM_000188.3 (MANE Select); coding-DNA position 1456, one base deleted (G; older notation c.1456delG).
Protein change: p.Glu486fs; shifts the reading frame from glutamic acid 486.
Molecular consequence: frameshift variant.
Genome position (GRCh38, 1-based): chr10:69,382,677, G deleted; the last of 2 consecutive G bases (chr10:69,382,676-69,382,677); deleting either gives the same sequence. VCF-style (leftmost placement, unchanged base first): chr10-69382675-TG-T. GRCh37 (hg19) VCF-style: chr10-71142431-TG-T.
Other names: c.1468del, p.Glu490fs (NM_033498.3, NM_001322364.2, NM_001358263.1 and 1 more transcripts); c.1420del, p.Glu474fs (NM_033500.2); c.1561del, p.Glu521fs (NM_001322365.2); c.1372del, p.Glu458fs (NM_001322366.1); c.1360del, p.Glu454fs (NM_001322367.1); c.1453del, p.Glu485fs (NM_033496.3); short protein forms E454fs, E485fs, E486fs, E458fs, E490fs, E474fs, E521fs.
Identifiers: ClinVar variation 855341 (VCV000855341.7), dbSNP rs1460702652, ClinGen allele CA594254125.

ClinVar aggregate classification (germline): Pathogenic (1 of 4 stars; one submission).

Submission:

Labcorp Genetics (formerly Invitae), Labcorp
Classification: Pathogenic. Last evaluated: 2024-07-05. Review status: criteria provided, single submitter. Criteria: Invitae Variant Classification Sherloc (09022015). Collection method: clinical testing. Allele origin: germline.
Comment: This sequence change creates a premature translational stop signal (p.Glu486Argfs*2) in the HK1 gene. It is expected to result in an absent or disrupted protein product. Loss-of-function variants in HK1 are known to be pathogenic (PMID: 11783948, 12211198, 31119733). This variant is present in population databases (no rsID available, gnomAD 0.003%). This variant has not been reported in the literature in individuals affected with HK1-related conditions. ClinVar contains an entry for this variant (Variation ID: 855341). For these reasons, this variant has been classified as Pathogenic.

Literature cited by the submitters: PubMed 11783948; PubMed 12211198; PubMed 31119733.